The following is an entry in ClinVar:

NM_003737.4(DCHS1):c.3638A>G (p.Gln1213Arg)

Gene: DCHS1 (dachsous cadherin-related 1; minus strand). Cytogenetic location: 11p15.4.
Variant type: single nucleotide variant.
Coding change: c.3638A>G on transcript NM_003737.4 (MANE Select); coding-DNA position 3638, A replaced by G.
Protein change: p.Gln1213Arg; replaces glutamine 1213 with arginine.
Molecular consequence: missense variant.
Genome position (GRCh38, 1-based): chr11:6,631,653, T>C on the plus strand (A>G on the coding strand, the complement: DCHS1 is on the minus strand). VCF-style: chr11-6631653-T-C. GRCh37 (hg19) VCF-style: chr11-6652884-T-C.
Other names: short protein forms Q1213R.
Identifiers: ClinVar variation 3673527 (VCV003673527.2).

ClinVar aggregate classification (germline): Uncertain significance (1 of 4 stars; one submission).

Submission:

Labcorp Genetics (formerly Invitae), Labcorp
Classification: Uncertain significance. Last evaluated: 2024-07-09. Review status: criteria provided, single submitter. Criteria: Invitae Variant Classification Sherloc (09022015). Collection method: clinical testing. Allele origin: germline.
Comment: This sequence change replaces glutamine, which is neutral and polar, with arginine, which is basic and polar, at codon 1213 of the DCHS1 protein (p.Gln1213Arg). This variant is not present in population databases (gnomAD no frequency). This variant has not been reported in the literature in individuals affected with DCHS1-related conditions. Advanced modeling of protein sequence and biophysical properties (such as structural, functional, and spatial information, amino acid conservation, physicochemical variation, residue mobility, and thermodynamic stability) performed at Invitae indicates that this missense variant is not expected to disrupt DCHS1 protein function with a negative predictive value of 80%. In summary, the available evidence is currently insufficient to determine the role of this variant in disease. Therefore, it has been classified as a Variant of Uncertain Significance.